The following is an entry in ClinVar:

NM_004614.5(TK2):c.229G>A (p.Glu77Lys)

Gene: TK2 (thymidine kinase 2; minus strand). Cytogenetic location: 16q21.
Variant type: single nucleotide variant.
Coding change: c.229G>A on transcript NM_004614.5 (MANE Select); coding-DNA position 229, G replaced by A.
Protein change: p.Glu77Lys; replaces glutamic acid 77 with lysine.
Molecular consequence: missense variant. On other transcripts: 5 prime UTR variant (1), non-coding transcript variant (1), intron variant (1).
Genome position (GRCh38, 1-based): chr16:66,541,881, C>T on the plus strand (G>A on the coding strand, the complement: TK2 is on the minus strand). VCF-style: chr16-66541881-C-T. GRCh37 (hg19) VCF-style: chr16-66575784-C-T.
Other names: c.136G>A, p.Glu46Lys (NM_001172643.1, NM_001271935.1); c.229G>A, p.Glu77Lys (NM_001172645.2); c.82G>A, p.Glu28Lys (NM_001271934.2); c.-63G>A (NM_001272050.2); c.157-4864G>A (NM_001172644.2); short protein forms E28K, E46K, E77K.
Identifiers: ClinVar variation 1379034 (VCV001379034.3), dbSNP rs768662981, ClinGen allele CA8093759.

ClinVar aggregate classification (germline): Uncertain significance (1 of 4 stars; one submission).

Allele frequency attached by ClinVar (database versions not stated): gnomAD exomes below 0.00001 and 0.00001; ExAC 0.00001.
gnomAD v4.1: 3 of 1,614,144 alleles (0.00019%); highest among the groups gnomAD compares: Non-Finnish European, 0.00025%; no homozygotes.

Submission:

Labcorp Genetics (formerly Invitae), Labcorp
Classification: Uncertain significance. Last evaluated: 2021-09-01. Review status: criteria provided, single submitter. Criteria: Invitae Variant Classification Sherloc (09022015). Collection method: clinical testing. Allele origin: germline.
Comment: This sequence change replaces glutamic acid with lysine at codon 77 of the TK2 protein (p.Glu77Lys). The glutamic acid residue is moderately conserved and there is a small physicochemical difference between glutamic acid and lysine. This variant is present in population databases (rs768662981, ExAC 0.001%). This variant has not been reported in the literature in individuals affected with TK2-related conditions. Algorithms developed to predict the effect of missense changes on protein structure and function are either unavailable or do not agree on the potential impact of this missense change (SIFT: "Tolerated"; PolyPhen-2: "Probably Damaging"; Align-GVGD: "Class C0"). In summary, the available evidence is currently insufficient to determine the role of this variant in disease. Therefore, it has been classified as a Variant of Uncertain Significance.